The following is an entry in ClinVar:

ClinVar aggregate classification (germline): Conflicting classifications of pathogenicity. Review status: criteria provided, conflicting classifications (1 of 4 stars). 9 submissions from 9 submitters: Uncertain significance (1); Benign (2); Likely benign (6). Last evaluated 2026-09-10.

Conditions:
TSC2-related disorder. Also called: TSC2-related condition; TSC2-Related Disorders.
Tuberous sclerosis 2 (TSC2). Identifiers: Orphanet 805, MedGen C1860707, MONDO:0013199, OMIM 613254.
Hereditary cancer-predisposing syndrome. Also called: Neoplastic Syndromes, Hereditary; Hereditary neoplastic syndrome; Tumor predisposition; Hereditary Cancer Syndrome. Identifiers: Orphanet 140162, MedGen C0027672, MeSH D009386, MONDO:0015356.
Tuberous sclerosis syndrome (TSC). Also called: Tuberous Sclerosis Complex; Tuberous sclerosis. Identifiers: Orphanet 805, MedGen C0041341, MONDO:0001734.

Allele frequency attached by ClinVar (database versions not stated): gnomAD 0.00002 and 0.00003; gnomAD exomes 0.00002 and 0.00004; TOPMed 0.00002; ExAC 0.00005.
gnomAD v4.1: 35 of 1,610,670 alleles (0.0022%); highest among the groups gnomAD compares: Middle Eastern, 0.05%; no homozygotes.

Submissions (9):

PreventionGenetics, part of Exact Sciences
Classification: Likely benign for TSC2-related condition. Last evaluated: 2026-09-10. Review status: criteria provided, single submitter. Criteria: ACMG Guidelines, 2015. Collection method: clinical testing. Allele origin: germline.
Comment: This variant is classified as likely benign based on ACMG/AMP sequence variant interpretation guidelines (Richards et al. 2015 PMID: 25741868, with internal and published modifications).

Labcorp Genetics (formerly Invitae), Labcorp
Classification: Benign for Tuberous sclerosis 2. Last evaluated: 2026-01-04. Review status: criteria provided, single submitter. Criteria: Invitae Variant Classification Sherloc (09022015). Collection method: clinical testing. Allele origin: germline.

CeGaT Center for Human Genetics Tuebingen
Classification: Likely benign. Last evaluated: 2024-11-01. Review status: criteria provided, single submitter. Criteria: CeGaT Center For Human Genetics Tuebingen Variant Classification Criteria Version 2. Collection method: clinical testing. Allele origin: germline. Affected: yes. Observed: 1 variant allele.
Comment: TSC2: BP4, BS2

Myriad Genetics, Inc.
Classification: Likely benign for Tuberous sclerosis 2. Last evaluated: 2024-08-15. Review status: criteria provided, single submitter. Criteria: Myriad Autosomal Dominant, Autosomal Recessive and X-Linked Classification Criteria (2023). Collection method: clinical testing. Allele origin: unknown.
Comment: This variant is considered likely benign. This variant has been observed at a population frequency that is significantly greater than expected given the associated disease prevalence and penetrance.

Color Diagnostics, LLC DBA Color Health
Classification: Uncertain significance for Tuberous sclerosis syndrome. Last evaluated: 2023-10-02. Review status: criteria provided, single submitter. Criteria: ACMG Guidelines, 2015. Collection method: clinical testing. Allele origin: germline.
Comment: This missense variant replaces glycine with arginine at codon 1099 of the TSC2 protein. Computational prediction is inconclusive regarding the impact of this variant on protein structure and function. To our knowledge, functional studies have not been reported for this variant. This variant has not been reported in individuals affected with TSC2-related disorders in the literature. This variant has been identified in 10/242610 chromosomes in the general population by the Genome Aggregation Database (gnomAD). The available evidence is insufficient to determine the role of this variant in disease conclusively. Therefore, this variant is classified as a Variant of Uncertain Significance.

Genome-Nilou Lab
Classification: Benign for Tuberous sclerosis 2. Last evaluated: 2021-11-07. Review status: criteria provided, single submitter. Criteria: ACMG Guidelines, 2015. Collection method: clinical testing. Allele origin: germline. Affected: no.

Dubai Health Genomic Medicine Center, Dubai Health
Classification: Likely benign. Last evaluated: 2020-08-18. Review status: criteria provided, single submitter. Criteria: ACMG Guidelines, 2015. Collection method: clinical testing. Allele origin: germline. Affected: yes.

Sema4
Classification: Likely benign for Hereditary cancer-predisposing syndrome. Last evaluated: 2020-07-14. Review status: criteria provided, single submitter. Criteria: Sema4 Curation Guidelines. Collection method: curation. Allele origin: germline.

Ambry Genetics
Classification: Likely benign for Hereditary cancer-predisposing syndrome. Last evaluated: 2019-03-15. Review status: criteria provided, single submitter. Criteria: Ambry Variant Classification Scheme 2023. Collection method: clinical testing. Allele origin: germline.

NM_000548.5(TSC2):c.3295G>A (p.Gly1099Arg)

Gene: TSC2 (TSC complex subunit 2; plus strand). Cytogenetic location: 16p13.3.
Variant type: single nucleotide variant.
Coding change: c.3295G>A on transcript NM_000548.5 (MANE Select); coding-DNA position 3295, G replaced by A.
Protein change: p.Gly1099Arg; replaces glycine 1099 with arginine.
Molecular consequence: missense variant.
Genome position (GRCh38, 1-based): chr16:2,079,567, G>A. VCF-style: chr16-2079567-G-A. GRCh37 (hg19) VCF-style: chr16-2129568-G-A.
Other names: c.3163G>A, p.Gly1055Arg (NM_001077183.3, NM_001370404.1); c.3295G>A, p.Gly1099Arg (NM_001114382.3); c.3055G>A, p.Gly1019Arg (NM_001318827.2); c.3019G>A, p.Gly1007Arg (NM_001318829.2); c.2563G>A, p.Gly855Arg (NM_001318831.2); c.3196G>A, p.Gly1066Arg (NM_001318832.2); c.3166G>A, p.Gly1056Arg (NM_001363528.2, NM_001370405.1, NM_021055.3); short protein forms G1099R, G1055R, G1056R, G855R, G1007R, G1019R, G1066R.
Identifiers: ClinVar variation 405978 (VCV000405978.37), dbSNP rs776855601, ClinGen allele CA045612.